The following is an entry in ClinVar:

NM_020461.4(TUBGCP6):c.2708G>A (p.Gly903Asp)

Gene: TUBGCP6 (tubulin gamma complex component 6; minus strand). Cytogenetic location: 22q13.33.
Variant type: single nucleotide variant.
Coding change: c.2708G>A on transcript NM_020461.4 (MANE Select); coding-DNA position 2708, G replaced by A.
Protein change: p.Gly903Asp; replaces glycine 903 with aspartic acid.
Molecular consequence: missense variant.
Genome position (GRCh38, 1-based): chr22:50,221,651, C>T on the plus strand (G>A on the coding strand, the complement: TUBGCP6 is on the minus strand). VCF-style: chr22-50221651-C-T. GRCh37 (hg19) VCF-style: chr22-50660080-C-T.
Other names: short protein forms G903D.
Identifiers: ClinVar variation 1485924 (VCV001485924.3), dbSNP rs1412219359, ClinGen allele CA412096583.

ClinVar aggregate classification (germline): Uncertain significance (1 of 4 stars; one submission).

Allele frequency attached by ClinVar (database versions not stated): TOPMed below 0.00001; gnomAD 0.00001; gnomAD exomes 0.00001.
gnomAD v4.1: 14 of 1,523,540 alleles (0.00092%); highest among the groups gnomAD compares: Admixed American, 0.0022%; no homozygotes.

Submission:

Labcorp Genetics (formerly Invitae), Labcorp
Classification: Uncertain significance. Last evaluated: 2021-07-30. Review status: criteria provided, single submitter. Criteria: Invitae Variant Classification Sherloc (09022015). Collection method: clinical testing. Allele origin: germline.
Comment: This sequence change replaces glycine with aspartic acid at codon 903 of the TUBGCP6 protein (p.Gly903Asp). The glycine residue is weakly conserved and there is a moderate physicochemical difference between glycine and aspartic acid. This variant is not present in population databases (ExAC no frequency). This variant has not been reported in the literature in individuals affected with TUBGCP6-related conditions. Algorithms developed to predict the effect of missense changes on protein structure and function output the following: SIFT: "Tolerated"; PolyPhen-2: "Benign"; Align-GVGD: "Class C0". The aspartic acid amino acid residue is found in multiple mammalian species, which suggests that this missense change does not adversely affect protein function. In summary, the available evidence is currently insufficient to determine the role of this variant in disease. Therefore, it has been classified as a Variant of Uncertain Significance.